The following is an entry in ClinVar:

NM_000052.7(ATP7A):c.1749G>A (p.Glu583=)

Gene: ATP7A (ATPase copper transporting alpha; plus strand). Cytogenetic location: Xq21.1.
Variant type: single nucleotide variant.
Coding change: c.1749G>A on transcript NM_000052.7 (MANE Select); coding-DNA position 1749, G replaced by A.
Protein change: p.Glu583=; no amino-acid change (glutamic acid 583 retained).
Molecular consequence: synonymous variant.
Genome position (GRCh38, 1-based): chrX:78,009,143, G>A. VCF-style: chrX-78009143-G-A. GRCh37 (hg19) VCF-style: chrX-77264640-G-A.
Other names: c.1749G>A (NM_000052.6); c.1749G>A, p.Glu583= (NM_001282224.2).
Identifiers: ClinVar variation 1143370 (VCV001143370.10), dbSNP rs375479026, ClinGen allele CA10459101.

ClinVar aggregate classification (germline): Likely benign. Review status: criteria provided, multiple submitters, no conflicts (2 of 4 stars). 2 submissions from 2 submitters: Likely benign (2). Last evaluated 2024-11-06.

Conditions:
X-linked distal spinal muscular atrophy type 3. Also called: ATP7A-Related Distal Motor Neuropathy; NEURONOPATHY, DISTAL HEREDITARY MOTOR, X-LINKED; NEUROPATHY, DISTAL HEREDITARY MOTOR, X-LINKED; SPINAL MUSCULAR ATROPHY, DISTAL, X-LINKED RECESSIVE. Identifiers: Orphanet 139557, MedGen C1845359, MONDO:0010338, OMIM 300489.
Cutis laxa, X-linked (OHS). Also called: EDS IX; Occipital horn syndrome. Identifiers: Orphanet 198, MedGen C0268353, MONDO:0010572, OMIM 304150.
Menkes kinky-hair syndrome (MNK). Also called: Menkes Disease; Copper transport disease; Classic Menkes Disease. Identifiers: Orphanet 565, MedGen C0022716, MONDO:0010651, OMIM 309400.
ATP7A-related disorder. Also called: ATP7A-related condition.

Allele frequency attached by ClinVar (database versions not stated): ExAC 0.00001; gnomAD exomes 0.00001; gnomAD 0.00002; ESP Exome Variant Server 0.00009.
gnomAD v4.1: 9 of 1,208,368 alleles (0.00074%); highest among the groups gnomAD compares: Non-Finnish European, 0.00089%; no homozygotes.

Submissions (2):

PreventionGenetics, part of Exact Sciences
Classification: Likely benign for ATP7A-related condition. Last evaluated: 2024-11-06. Review status: criteria provided, single submitter. Criteria: ACMG Guidelines, 2015. Collection method: clinical testing. Allele origin: germline.
Comment: This variant is classified as likely benign based on ACMG/AMP sequence variant interpretation guidelines (Richards et al. 2015 PMID: 25741868, with internal and published modifications).

Labcorp Genetics (formerly Invitae), Labcorp
Classification: Likely benign for X-linked distal spinal muscular atrophy type 3; Cutis laxa, X-linked; Menkes kinky-hair syndrome. Last evaluated: 2024-10-28. Review status: criteria provided, single submitter. Criteria: Invitae Variant Classification Sherloc (09022015). Collection method: clinical testing. Allele origin: germline.